The following is an entry in ClinVar:

NM_001042492.3(NF1):c.3161_3165del (p.Asn1054fs)

Gene: NF1 (neurofibromin 1; plus strand). Cytogenetic location: 17q11.2.
Variant type: Deletion.
Coding change: c.3161_3165del on transcript NM_001042492.3 (MANE Select); coding-DNA positions 3161 to 3165, 5 bases deleted (ACCAA; older notation c.3161_3165delACCAA).
Protein change: p.Asn1054fs; shifts the reading frame from asparagine 1054.
Molecular consequence: frameshift variant.
Genome position (GRCh38, 1-based): chr17:31,230,889-31,230,893, ACCAA deleted; deleting any 5 consecutive bases within chr17:31,230,886-31,230,893 gives the same sequence; the c. name uses the placement nearest the transcript's 3' end. VCF-style (leftmost placement, unchanged base first): chr17-31230885-TCAAAC-T. GRCh37 (hg19) VCF-style: chr17-29557903-TCAAAC-T.
Other names: c.3161_3165delACCAA (NM_000267.3); c.3161_3165delACCAA, p.Asn1054Serfs (NM_000267.4); short protein forms N1054fs.
Identifiers: ClinVar variation 485960 (VCV000485960.11), dbSNP rs1555614642, ClinGen allele CA658656569.

ClinVar aggregate classification (germline): Pathogenic. Review status: criteria provided, multiple submitters, no conflicts (2 of 4 stars). 3 submissions from 3 submitters: Pathogenic (3). Last evaluated 2024-11-15.

Conditions:
Cardiovascular phenotype. Identifiers: MedGen CN230736.
Hereditary cancer-predisposing syndrome. Also called: Tumor predisposition; Neoplastic Syndromes, Hereditary; Hereditary Cancer Syndrome; Hereditary neoplastic syndrome. Identifiers: Orphanet 140162, MedGen C0027672, MeSH D009386, MONDO:0015356.
Neurofibromatosis, type 1 (NF1). Also called: NEUROFIBROMATOSIS, TYPE I, SOMATIC; VON RECKLINGHAUSEN DISEASE; Neurofibromatosis, type I; Peripheral type neurofibromatosis. Identifiers: Orphanet 636, MedGen C0027831, MONDO:0018975, OMIM 162200. Disease mechanism: loss of function.

Submissions (3):

Labcorp Genetics (formerly Invitae), Labcorp
Classification: Pathogenic for Neurofibromatosis, type 1. Last evaluated: 2024-11-15. Review status: criteria provided, single submitter. Criteria: Invitae Variant Classification Sherloc (09022015). Collection method: clinical testing. Allele origin: germline.
Comment: This sequence change creates a premature translational stop signal (p.Asn1054Serfs*4) in the NF1 gene. It is expected to result in an absent or disrupted protein product. Loss-of-function variants in NF1 are known to be pathogenic (PMID: 10712197, 23913538). This variant is not present in population databases (gnomAD no frequency). This variant has not been reported in the literature in individuals affected with NF1-related conditions. ClinVar contains an entry for this variant (Variation ID: 485960). For these reasons, this variant has been classified as Pathogenic.

Genome-Nilou Lab
Classification: Pathogenic for Neurofibromatosis, type 1. Last evaluated: 2022-03-15. Review status: criteria provided, single submitter. Criteria: ACMG Guidelines, 2015. Collection method: clinical testing. Allele origin: germline. Affected: no.

Ambry Genetics
Classification: Pathogenic for Cardiovascular phenotype; Hereditary cancer-predisposing syndrome. Last evaluated: 2017-01-16. Review status: criteria provided, single submitter. Criteria: Ambry Variant Classification Scheme 2023. Collection method: clinical testing. Allele origin: germline.
Comment: The c.3161_3165delACCAA pathogenic mutation, located in coding exon 24 of the NF1 gene, results from a deletion of 5 nucleotides at nucleotide positions 3161 to 3165, causing a translational frameshift with a predicted alternate stop codon (p.N1054Sfs*4). This alteration is expected to result in loss of function by premature protein truncation or nonsense-mediated mRNA decay. As such, this alteration is interpreted as a disease-causing mutation.

Literature cited by the submitters: PubMed 10712197 (cited by Labcorp Genetics (formerly Invitae), Labcorp); PubMed 23913538 (cited by Labcorp Genetics (formerly Invitae), Labcorp).